The following is an entry in ClinVar:

NM_025074.7(FRAS1):c.3772G>A (p.Asp1258Asn)

Gene: FRAS1 (Fraser extracellular matrix complex subunit 1; plus strand). Cytogenetic location: 4q21.21.
Variant type: single nucleotide variant.
Coding change: c.3772G>A on transcript NM_025074.7 (MANE Select); coding-DNA position 3772, G replaced by A.
Protein change: p.Asp1258Asn; replaces aspartic acid 1258 with asparagine.
Molecular consequence: missense variant.
Genome position (GRCh38, 1-based): chr4:78,387,498, G>A. VCF-style: chr4-78387498-G-A. GRCh37 (hg19) VCF-style: chr4-79308652-G-A.
Other names: c.3772G>A, p.Asp1258Asn (NM_001166133.2); c.3772G>A (NM_025074.6); short protein forms D1258N.
Identifiers: ClinVar variation 2168600 (VCV002168600.4), dbSNP rs191708904, ClinGen allele CA2977016.

ClinVar aggregate classification (germline): Uncertain significance. Review status: criteria provided, multiple submitters, no conflicts (2 of 4 stars). 4 submissions from 4 submitters: Uncertain significance (4). Last evaluated 2024-02-28.

Conditions:
Fraser syndrome 1 (FRASRS1). Also called: CRYPTOPHTHALMOS WITH OTHER MALFORMATIONS. Identifiers: Orphanet 2052, MedGen C4551480, MONDO:0054737, OMIM 219000.
Inborn genetic diseases. Identifiers: MedGen C0950123, MeSH D030342.

Allele frequency attached by ClinVar (database versions not stated): gnomAD 0.00003; ExAC 0.00008; TOPMed 0.00009; 1000 Genomes Project 30x 0.00016; 1000 Genomes Project 0.00020.
gnomAD v4.1: 62 of 1,613,084 alleles (0.0038%); highest among the groups gnomAD compares: Admixed American, 0.052%; no homozygotes.

Submissions (4):

Ambry Genetics
Classification: Uncertain significance for Inborn genetic diseases. Last evaluated: 2024-02-28. Review status: criteria provided, single submitter. Criteria: Ambry Variant Classification Scheme 2023. Collection method: clinical testing. Allele origin: germline.

Blueprint Genetics
Classification: Uncertain significance. Last evaluated: 2024-02-13. Review status: criteria provided, single submitter. Criteria: ACMG Guidelines, 2015. Collection method: clinical testing. Allele origin: germline.

Fulgent Genetics
Classification: Uncertain significance for Fraser syndrome 1. Last evaluated: 2024-01-20. Review status: criteria provided, single submitter. Criteria: ACMG Guidelines, 2015. Collection method: clinical testing. Allele origin: germline.

Labcorp Genetics (formerly Invitae), Labcorp
Classification: Uncertain significance. Last evaluated: 2022-04-13. Review status: criteria provided, single submitter. Criteria: Invitae Variant Classification Sherloc (09022015). Collection method: clinical testing. Allele origin: germline.
Comment: This sequence change replaces aspartic acid, which is acidic and polar, with asparagine, which is neutral and polar, at codon 1258 of the FRAS1 protein (p.Asp1258Asn). This variant is present in population databases (rs191708904, gnomAD 0.08%). This variant has not been reported in the literature in individuals affected with FRAS1-related conditions. Algorithms developed to predict the effect of missense changes on protein structure and function output the following: SIFT: "Deleterious"; PolyPhen-2: "Benign"; Align-GVGD: "Class C0". The asparagine amino acid residue is found in multiple mammalian species, which suggests that this missense change does not adversely affect protein function. In summary, the available evidence is currently insufficient to determine the role of this variant in disease. Therefore, it has been classified as a Variant of Uncertain Significance.